The following is an entry in ClinVar:

ClinVar aggregate classification (germline): Pathogenic (1 of 4 stars; one submission).

Conditions:
Severe combined immunodeficiency due to DCLRE1C deficiency (RS-SCID). Also called: SCID, AUTOSOMAL RECESSIVE, T CELL-NEGATIVE, B CELL-NEGATIVE, NK CELL-POSITIVE, WITH SENSITIVITY TO IONIZING RADIATION. Identifiers: Orphanet 275, MedGen C1865371, MONDO:0011225, OMIM 602450.

Submission:

Labcorp Genetics (formerly Invitae), Labcorp
Classification: Pathogenic for Athabaskan severe combined immunodeficiency. Last evaluated: 2025-06-10. Review status: criteria provided, single submitter. Criteria: Invitae Variant Classification Sherloc (09022015). Collection method: clinical testing. Allele origin: germline.
Comment: This sequence change creates a premature translational stop signal (p.Ile159Thrfs*25) in the DCLRE1C gene. It is expected to result in an absent or disrupted protein product. Loss-of-function variants in DCLRE1C are known to be pathogenic (PMID: 21664875, 26123418). This variant is not present in population databases (gnomAD no frequency). This variant has not been reported in the literature in individuals affected with DCLRE1C-related conditions. ClinVar contains an entry for this variant (Variation ID: 3649212). For these reasons, this variant has been classified as Pathogenic.

Literature cited by the submitters: PubMed 21664875; PubMed 26123418.

NM_001033855.3(DCLRE1C):c.476del (p.Ile159fs)

Gene: DCLRE1C (DNA cross-link repair 1C; minus strand). Cytogenetic location: 10p13.
Variant type: Deletion.
Coding change: c.476del on transcript NM_001033855.3 (MANE Select); coding-DNA position 476, one base deleted (T; older notation c.476delT).
Protein change: p.Ile159fs; shifts the reading frame from isoleucine 159.
Molecular consequence: frameshift variant. On other transcripts: non-coding transcript variant (4).
Genome position (GRCh38, 1-based): chr10:14,934,764, A deleted on the plus strand (T on the coding strand, the reverse complement: DCLRE1C is on the minus strand). VCF-style (leftmost placement, unchanged base first): chr10-14934763-GA-G. GRCh37 (hg19) VCF-style: chr10-14976762-GA-G.
Other names: c.116del, p.Ile39fs (NM_001033857.3, NM_001033858.3, NM_001289077.2 and 2 more transcripts); c.131del, p.Ile44fs (NM_001289076.2, NM_001289078.2, NM_001350966.2 and 1 more transcripts); c.476del, p.Ile159fs (NM_001350965.2); short protein forms I159fs, I39fs, I44fs.
Identifiers: ClinVar variation 3649212 (VCV003649212.2).